The following is an entry in ClinVar:

NM_016038.4(SBDS):c.269A>C (p.Lys90Thr)

Gene: SBDS (SBDS ribosome maturation factor; minus strand). Cytogenetic location: 7q11.21.
Variant type: single nucleotide variant.
Coding change: c.269A>C on transcript NM_016038.4 (MANE Select); coding-DNA position 269, A replaced by C.
Protein change: p.Lys90Thr; replaces lysine 90 with threonine.
Molecular consequence: missense variant.
Genome position (GRCh38, 1-based): chr7:66,993,407, T>G on the plus strand (A>C on the coding strand, the complement: SBDS is on the minus strand). VCF-style: chr7-66993407-T-G. GRCh37 (hg19) VCF-style: chr7-66458394-T-G.
Other names: short protein forms K90T.
Identifiers: ClinVar variation 5029017 (VCV005029017.1).

ClinVar aggregate classification (germline): Uncertain significance (1 of 4 stars; one submission).

Conditions:
Inborn genetic diseases. Identifiers: MedGen C0950123, MeSH D030342.

Submission:

Ambry Genetics
Classification: Uncertain significance for Inborn genetic diseases. Last evaluated: 2026-07-05. Review status: criteria provided, single submitter. Criteria: Ambry Variant Classification Scheme 2023. Collection method: clinical testing. Allele origin: germline.
Comment: The p.K90T variant (also known as c.269A>C), located in coding exon 3 of the SBDS gene, results from an A to C substitution at nucleotide position 269. The lysine at codon 90 is replaced by threonine, an amino acid with similar properties. This amino acid position is conserved. In addition, this alteration is predicted to be deleterious by in silico analysis. Based on the available evidence, the clinical significance of this variant remains unclear.